The following is an entry in ClinVar:

ClinVar aggregate classification (germline): Uncertain significance (1 of 4 stars; one submission).

Conditions:
Cardiomyopathy, familial hypertrophic, 28. Identifiers: MedGen C5543616, MONDO:0030317, OMIM 619402.

gnomAD v4.1: 3 of 1,614,262 alleles (0.00019%); highest among the groups gnomAD compares: Admixed American, 0.005%; no homozygotes.

Submission:

Clinical Genomics Laboratory, Stanford Medicine
Classification: Uncertain significance for Cardiomyopathy, familial hypertrophic, 28. Last evaluated: 2022-12-19. Review status: criteria provided, single submitter. Criteria: ACMG Guidelines, 2015. Collection method: clinical testing. Allele origin: germline. Observed: 1 variant allele, 1 heterozygote.
Comment: The p.Ser652Gly variant in the FHOD3 gene has not been previously reported in association with disease. This variant has been identified in 2/34582 Latino/Admixed American chromosomes by the Genome Aggregation Database. Computational tools predict that this variant is neither deleterious nor benign; however, the accuracy of in silico algorithms is limited. These data were assessed using the ACMG/AMP variant interpretation guidelines. In summary, the significance of the p.Ser652Gly variant is uncertain. Additional information is needed to resolve the significance of this variant. [ACMG evidence codes used: PM2]

NM_001281740.3(FHOD3):c.2479A>G (p.Ser827Gly)

Gene: FHOD3 (formin homology 2 domain containing 3; plus strand). Cytogenetic location: 18q12.2.
Variant type: single nucleotide variant.
Coding change: c.2479A>G on transcript NM_001281740.3 (MANE Select); coding-DNA position 2479, A replaced by G.
Protein change: p.Ser827Gly; replaces serine 827 with glycine.
Molecular consequence: missense variant.
Genome position (GRCh38, 1-based): chr18:36,709,337, A>G. VCF-style: chr18-36709337-A-G. GRCh37 (hg19) VCF-style: chr18-34289300-A-G.
Other names: c.1903A>G, p.Ser635Gly (NM_001281739.3); c.1954A>G, p.Ser652Gly (NM_025135.5); short protein forms S635G, S652G, S827G.
Identifiers: ClinVar variation 3572857 (VCV003572857.2).